The following is an entry in ClinVar:

ClinVar aggregate classification (germline): Uncertain significance. Review status: criteria provided, multiple submitters, no conflicts (2 of 4 stars). 4 submissions from 4 submitters: Uncertain significance (3). 1 of the submissions does not count toward it. Last evaluated 2025-12-26.

Conditions:
RECQL4-related disorder. Also called: RECQL4-related condition; RECQL4-related disorders.
Inborn genetic diseases. Identifiers: MedGen C0950123, MeSH D030342.
Baller-Gerold syndrome (BGS). Also called: CRANIOSYNOSTOSIS WITH RADIAL DEFECTS. Identifiers: Orphanet 1225, MedGen C0265308, MONDO:0009039, OMIM 218600.

Allele frequency attached by ClinVar (database versions not stated): gnomAD exomes 0.00003; gnomAD 0.00004 and 0.00005; TOPMed 0.00004; ExAC 0.00005; ESP Exome Variant Server 0.00008; 1000 Genomes Project 30x 0.00016; 1000 Genomes Project 0.00020.
gnomAD v4.1: 103 of 1,581,296 alleles (0.0065%); highest among the groups gnomAD compares: Non-Finnish European, 0.0081%; no homozygotes.

Submissions (4):

Labcorp Genetics (formerly Invitae), Labcorp
Classification: Uncertain significance for Baller-Gerold syndrome. Last evaluated: 2025-12-26. Review status: criteria provided, single submitter. Criteria: Invitae Variant Classification Sherloc (09022015). Collection method: clinical testing. Allele origin: germline.
Comment: This sequence change replaces arginine, which is basic and polar, with tryptophan, which is neutral and slightly polar, at codon 709 of the RECQL4 protein (p.Arg709Trp). The frequency data for this variant in the population databases is considered unreliable, as metrics indicate poor data quality at this position in the gnomAD database. This variant has not been reported in the literature in individuals affected with RECQL4-related conditions. ClinVar contains an entry for this variant (Variation ID: 459378). Invitae Evidence Modeling of protein sequence and biophysical properties (such as structural, functional, and spatial information, amino acid conservation, physicochemical variation, residue mobility, and thermodynamic stability) indicates that this missense variant is expected to disrupt RECQL4 protein function with a positive predictive value of 80%. In summary, the available evidence is currently insufficient to determine the role of this variant in disease. Therefore, it has been classified as a Variant of Uncertain Significance.

Ambry Genetics
Classification: Uncertain significance for Inborn genetic diseases. Last evaluated: 2024-10-02. Review status: criteria provided, single submitter. Criteria: Ambry Variant Classification Scheme 2023. Collection method: clinical testing. Allele origin: germline.
Comment: The p.R709W variant (also known as c.2125C>T), located in coding exon 13 of the RECQL4 gene, results from a C to T substitution at nucleotide position 2125. The arginine at codon 709 is replaced by tryptophan, an amino acid with dissimilar properties. This amino acid position is conserved. In addition, this alteration is predicted to be deleterious by in silico analysis. Based on the available evidence, the clinical significance of this variant remains unclear.

Institute for Clinical Genetics, University Hospital TU Dresden, University Hospital TU Dresden
Classification: Uncertain significance. Last evaluated: 2021-11-03. Review status: criteria provided, single submitter. Criteria: ACMG Guidelines, 2015. Collection method: clinical testing. Allele origin: germline.

PreventionGenetics, part of Exact Sciences
Classification: Uncertain significance for RECQL4-related condition. Last evaluated: 2024-04-15. Review status: no assertion criteria provided. Collection method: clinical testing. Allele origin: germline. Not counted in ClinVar's aggregate classification.
Comment: The RECQL4 c.2125C>T variant is predicted to result in the amino acid substitution p.Arg709Trp. To our knowledge, this variant has not been reported in the literature. This variant is reported in 0.0065% of alleles in individuals of East Asian descent in gnomAD. At this time, the clinical significance of this variant is uncertain due to the absence of conclusive functional and genetic evidence.

NM_004260.4(RECQL4):c.2125C>T (p.Arg709Trp)

Gene: RECQL4 (RecQ like helicase 4; minus strand). Cytogenetic location: 8q24.3.
Variant type: single nucleotide variant.
Coding change: c.2125C>T on transcript NM_004260.4 (MANE Select); coding-DNA position 2125, C replaced by T.
Protein change: p.Arg709Trp; replaces arginine 709 with tryptophan.
Molecular consequence: missense variant.
Genome position (GRCh38, 1-based): chr8:144,513,646, G>A on the plus strand (C>T on the coding strand, the complement: RECQL4 is on the minus strand). VCF-style: chr8-144513646-G-A. GRCh37 (hg19) VCF-style: chr8-145739030-G-A.
Other names: short protein forms R709W.
Identifiers: ClinVar variation 459378 (VCV000459378.13), dbSNP rs199562131, ClinGen allele CA4948461.